The following is an entry in ClinVar:

ClinVar aggregate classification (germline): Conflicting classifications of pathogenicity. Review status: criteria provided, conflicting classifications (1 of 4 stars). 7 submissions from 7 submitters: Uncertain significance (3); Benign (1); Likely benign (1). 2 of the submissions do not count toward it. Last evaluated 2025-01-15.

Conditions:
Hearing impairment. Also called: Impaired Hearing. Identifiers: MedGen C1384666, MONDO:0005365, HP:0000365.
Autosomal dominant nonsyndromic hearing loss 4A. Also called: Deafness, autosomal dominant 4A. Identifiers: Orphanet 90635, MedGen C1833503, MONDO:0010915, OMIM 600652.

Allele frequency attached by ClinVar (database versions not stated): ExAC 0.00003; gnomAD exomes 0.00005 and 0.00017; gnomAD 0.00010 and 0.00011; TOPMed 0.00015.
gnomAD v4.1: 250 of 1,579,404 alleles (0.016%); highest among the groups gnomAD compares: Non-Finnish European, 0.021%; 1 homozygote.

Submissions (8):

Labcorp Genetics (formerly Invitae), Labcorp
Classification: Uncertain significance. Last evaluated: 2025-01-15. Review status: criteria provided, single submitter. Criteria: Invitae Variant Classification Sherloc (09022015). Collection method: clinical testing. Allele origin: germline.
Comment: This sequence change affects codon 1536 of the MYH14 mRNA. It is a 'silent' change, meaning that it does not change the encoded amino acid sequence of the MYH14 protein. This variant is present in population databases (rs766728732, gnomAD 0.01%). This variant has not been reported in the literature in individuals affected with MYH14-related conditions. ClinVar contains an entry for this variant (Variation ID: 329944). Algorithms developed to predict the effect of sequence changes on RNA splicing suggest that this variant may create or strengthen a splice site. In summary, the available evidence is currently insufficient to determine the role of this variant in disease. Therefore, it has been classified as a Variant of Uncertain Significance.

Blueprint Genetics
Classification: Uncertain significance. Last evaluated: 2024-11-25. Review status: criteria provided, single submitter. Criteria: ACMG Guidelines, 2015. Collection method: clinical testing. Allele origin: germline.

Department of Otolaryngology – Head & Neck Surgery, Cochlear Implant Center
Classification: Benign for Hearing impairment. Last evaluated: 2021-04-12. Review status: criteria provided, single submitter. Criteria: ClinGen HL ACMG Specifications v1. Collection method: clinical testing. Allele origin: germline. Affected: yes.
Comment: BS1_Strong, BS2_Strong, BP4_Supporting, BP7_Supporting

CeGaT Center for Human Genetics Tuebingen
Classification: Likely benign. Last evaluated: 2020-11-01. Review status: criteria provided, single submitter. Criteria: CeGaT Center For Human Genetics Tuebingen Variant Classification Criteria Version 2. Collection method: clinical testing. Allele origin: germline. Affected: yes. Observed: 1 variant allele.

Illumina Laboratory Services, Illumina
Classification: Uncertain significance for Autosomal dominant nonsyndromic hearing loss 4A. Last evaluated: 2018-01-13. Review status: criteria provided, single submitter. Criteria: ICSL Variant Classification Criteria 13 December 2019. Collection method: clinical testing. Allele origin: germline.

Clinical Genetics DNA and cytogenetics Diagnostics Lab, Erasmus MC, Erasmus Medical Center
Classification: Likely benign. Review status: no assertion criteria provided. Collection method: clinical testing. Allele origin: germline. Affected: yes. Study: VKGL Data-share Consensus. Not counted in ClinVar's aggregate classification.

Dr. Peter K. Rogan Lab, Western University
No classification provided (evidence only). Condition: Gastric cancer. Review status: no classification provided. Collection method: in vitro. Allele origin: not applicable. Functional consequence: retained intron. Not counted in ClinVar's aggregate classification.

Joint Genome Diagnostic Labs from Nijmegen and Maastricht, Radboudumc and MUMC+
Classification: Likely benign. Review status: no assertion criteria provided. Collection method: clinical testing. Allele origin: germline. Affected: yes. Study: VKGL Data-share Consensus. Not counted in ClinVar's aggregate classification.

NM_001145809.2(MYH14):c.4731C>T (p.Ser1577=)

Gene: MYH14 (myosin heavy chain 14; plus strand). Cytogenetic location: 19q13.33.
Variant type: single nucleotide variant.
Coding change: c.4731C>T on transcript NM_001145809.2 (MANE Select); coding-DNA position 4731, C replaced by T.
Protein change: p.Ser1577=; no amino-acid change (serine 1577 retained).
Molecular consequence: synonymous variant.
Genome position (GRCh38, 1-based): chr19:50,286,673, C>T. VCF-style: chr19-50286673-C-T. GRCh37 (hg19) VCF-style: chr19-50789930-C-T.
Other names: c.4632C>T, p.Ser1544= (NM_001077186.2); c.4608C>T, p.Ser1536= (NM_024729.4).
Identifiers: ClinVar variation 329944 (VCV000329944.56), dbSNP rs766728732, ClinGen allele CA9593583.